The following is an entry in ClinVar:

NM_001034850.3(RETREG1):c.668T>C (p.Leu223Pro)

Gene: RETREG1 (reticulophagy regulator 1; minus strand). Cytogenetic location: 5p15.1.
Variant type: single nucleotide variant.
Coding change: c.668T>C on transcript NM_001034850.3 (MANE Select); coding-DNA position 668, T replaced by C.
Protein change: p.Leu223Pro; replaces leucine 223 with proline.
Molecular consequence: missense variant.
Genome position (GRCh38, 1-based): chr5:16,481,011, A>G on the plus strand (T>C on the coding strand, the complement: RETREG1 is on the minus strand). VCF-style: chr5-16481011-A-G. GRCh37 (hg19) VCF-style: chr5-16481120-A-G.
Other names: c.245T>C, p.Leu82Pro (NM_019000.5); short protein forms L223P, L82P.
Identifiers: ClinVar variation 1499236 (VCV001499236.8), dbSNP rs1379332584, ClinGen allele CA359258892.

ClinVar aggregate classification (germline): Uncertain significance (1 of 4 stars; one submission).

Allele frequency attached by ClinVar (database versions not stated): gnomAD exomes below 0.00001; gnomAD 0.00001; TOPMed 0.00001.
gnomAD v4.1: 5 of 1,605,612 alleles (0.00031%); highest among the groups gnomAD compares: South Asian, 0.0011%; no homozygotes.

Submission:

Labcorp Genetics (formerly Invitae), Labcorp
Classification: Uncertain significance. Last evaluated: 2020-11-27. Review status: criteria provided, single submitter. Criteria: Invitae Variant Classification Sherloc (09022015). Collection method: clinical testing. Allele origin: germline.
Comment: In summary, the available evidence is currently insufficient to determine the role of this variant in disease. Therefore, it has been classified as a Variant of Uncertain Significance. Algorithms developed to predict the effect of missense changes on protein structure and function (SIFT, PolyPhen-2, Align-GVGD) all suggest that this variant is likely to be disruptive, but these predictions have not been confirmed by published functional studies and their clinical significance is uncertain. This variant has not been reported in the literature in individuals with RETREG1-related conditions. This variant is not present in population databases (ExAC no frequency). This sequence change replaces leucine with proline at codon 223 of the RETREG1 protein (p.Leu223Pro). The leucine residue is highly conserved and there is a moderate physicochemical difference between leucine and proline.